The following is an entry in ClinVar:

ClinVar aggregate classification (germline): Benign/Likely benign. Review status: criteria provided, multiple submitters, no conflicts (2 of 4 stars). 6 submissions from 6 submitters: Benign (2); Likely benign (3). 1 of the submissions does not count toward it. Last evaluated 2026-09-01.

Conditions:
SPEG-related disorder. Also called: SPEG-related condition.
Inborn genetic diseases. Identifiers: MedGen C0950123, MeSH D030342.

Allele frequency attached by ClinVar (database versions not stated): gnomAD exomes 0.00027 and 0.00079; ExAC 0.00081; 1000 Genomes Project 0.00180; 1000 Genomes Project 30x 0.00219; gnomAD 0.00303 and 0.00334; ESP Exome Variant Server 0.00304; TOPMed 0.00357.
gnomAD v4.1: 875 of 1,614,098 alleles (0.054%); highest among the groups gnomAD compares: African/African-American, 1%; 6 homozygotes.

Submissions (9):

CeGaT Center for Human Genetics Tuebingen
Classification: Likely benign. Last evaluated: 2026-09-01. Review status: criteria provided, single submitter. Criteria: CeGaT Center For Human Genetics Tuebingen Variant Classification Criteria Version 2. Collection method: clinical testing. Allele origin: germline. Affected: yes. Observed: 2 variant alleles.
Comment: SPEG: BP4, BP7

Ambry Genetics
Classification: Likely benign for Inborn genetic diseases. Last evaluated: 2026-02-03. Review status: criteria provided, single submitter. Criteria: Ambry Variant Classification Scheme 2023. Collection method: clinical testing. Allele origin: germline.

Labcorp Genetics (formerly Invitae), Labcorp
Classification: Benign. Last evaluated: 2026-01-26. Review status: criteria provided, single submitter. Criteria: Invitae Variant Classification Sherloc (09022015). Collection method: clinical testing. Allele origin: germline.

Blueprint Genetics
Classification: Likely benign. Last evaluated: 2024-11-13. Review status: criteria provided, single submitter. Criteria: ACMG Guidelines, 2015. Collection method: clinical testing. Allele origin: germline.

Breakthrough Genomics
Classification: Benign. Review status: criteria provided, single submitter. Criteria: ACMG Guidelines, 2015. Collection method: not provided. Allele origin: germline. Inheritance: Autosomal recessive inheritance. Affected: yes.

PreventionGenetics, part of Exact Sciences
Classification: Benign for SPEG-related condition. Last evaluated: 2024-09-08. Review status: no assertion criteria provided. Collection method: clinical testing. Allele origin: germline. Not counted in ClinVar's aggregate classification.
Comment: This variant is classified as benign based on ACMG/AMP sequence variant interpretation guidelines (Richards et al. 2015 PMID: 25741868, with internal and published modifications).

Dr. Peter K. Rogan Lab, Western University
No classification provided (evidence only). Condition: Uterine corpus endometrial carcinoma. Review status: no classification provided. Collection method: in vitro. Allele origin: not applicable. Functional consequence: retained intron. Not counted in ClinVar's aggregate classification.

Dr. Peter K. Rogan Lab, Western University
No classification provided (evidence only). Condition: Cervical cancer. Review status: no classification provided. Collection method: in vitro. Allele origin: not applicable. Functional consequence: retained intron. Not counted in ClinVar's aggregate classification.

Dr. Peter K. Rogan Lab, Western University
No classification provided (evidence only). Condition: Sarcoma. Review status: no classification provided. Collection method: in vitro. Allele origin: not applicable. Functional consequence: retained intron. Not counted in ClinVar's aggregate classification.

NM_005876.5(SPEG):c.2859C>T (p.Cys953=)

Gene: SPEG (striated muscle enriched protein kinase; plus strand). Cytogenetic location: 2q35.
Variant type: single nucleotide variant.
Coding change: c.2859C>T on transcript NM_005876.5 (MANE Select); coding-DNA position 2859, C replaced by T.
Protein change: p.Cys953=; no amino-acid change (cysteine 953 retained).
Molecular consequence: synonymous variant.
Genome position (GRCh38, 1-based): chr2:219,464,586, C>T. VCF-style: chr2-219464586-C-T. GRCh37 (hg19) VCF-style: chr2-220329308-C-T.
Other names: c.312C>T, p.Cys104= (NM_001173476.2).
Identifiers: ClinVar variation 709634 (VCV000709634.27), dbSNP rs35665419, ClinGen allele CA2125966.